The following is an entry in ClinVar:

ClinVar aggregate classification (germline): Likely pathogenic (1 of 4 stars; one submission).

Conditions:
Mitochondrial DNA depletion syndrome 1. Also called: POLIP SYNDROME; POLYNEUROPATHY, OPHTHALMOPLEGIA, LEUKOENCEPHALOPATHY, AND INTESTINAL PSEUDOOBSTRUCTION; Mitochondrial DNA Depletion Syndrome, MNGIE Form; Mitochondrial neurogastrointestinal encephalomyopathy syndrome; Mitochondrial DNA depletion syndrome 1 (MNGIE type); Mitochondrial Neurogastrointestinal Encephalopathy Disease. Identifiers: Orphanet 298, MedGen C4551995, MONDO:0011283, OMIM 603041.

Submission:

Kariminejad - Najmabadi Pathology & Genetics Center
Classification: Likely pathogenic for Mitochondrial DNA depletion syndrome 1. Last evaluated: 2024-04-16. Review status: criteria provided, single submitter. Criteria: ACMG Guidelines, 2015. Collection method: clinical testing. Allele origin: germline. Inheritance: Autosomal recessive inheritance. Affected: yes.
Comment: Not Provided

NM_001953.5(TYMP):c.342C>G (p.Asp114Glu)

Gene: TYMP (thymidine phosphorylase; minus strand). Cytogenetic location: 22q13.33.
Variant type: single nucleotide variant.
Coding change: c.342C>G on transcript NM_001953.5 (MANE Select); coding-DNA position 342, C replaced by G.
Protein change: p.Asp114Glu; replaces aspartic acid 114 with glutamic acid.
Molecular consequence: missense variant.
Genome position (GRCh38, 1-based): chr22:50,529,211, G>C on the plus strand (C>G on the coding strand, the complement: TYMP is on the minus strand). VCF-style: chr22-50529211-G-C. GRCh37 (hg19) VCF-style: chr22-50967640-G-C.
Other names: c.342C>G, p.Asp114Glu (NM_001113755.3, NM_001113756.3, NM_001257988.1 and 1 more transcripts); short protein forms D114E.
Identifiers: ClinVar variation 3897055 (VCV003897055.1).
Genomic context (GRCh38, chr22:50,529,211, plus strand): 5'-CGCCAGGGCAGGTGCGAGGACCAGGCTGACCTTGTCACCCACACCCCCTGTGGAATGCTT[G>C]TCCACAAGCTGCTGGCGCCAGGCCTCTGGCCACTCCAGCTGCTGTCCCGACTGAGCCAGG-3'
Protein context (NP_001944.1, residues 104-124): WPEAWRQQLV[Asp114Glu]KHSTGGVGDK